The following is an entry in ClinVar:

NM_000860.6(HPGD):c.650A>G (p.Tyr217Cys)

Gene: HPGD (15-hydroxyprostaglandin dehydrogenase; minus strand). Cytogenetic location: 4q34.1.
Variant type: single nucleotide variant.
Coding change: c.650A>G on transcript NM_000860.6 (MANE Select); coding-DNA position 650, A replaced by G.
Protein change: p.Tyr217Cys; replaces tyrosine 217 with cysteine.
Molecular consequence: missense variant. On other transcripts: intron variant (2).
Genome position (GRCh38, 1-based): chr4:174,493,163, T>C on the plus strand (A>G on the coding strand, the complement: HPGD is on the minus strand). VCF-style: chr4-174493163-T-C. GRCh37 (hg19) VCF-style: chr4-175414314-T-C.
Other names: c.287A>G, p.Tyr96Cys (NM_001256301.1, NM_001256307.2); c.446A>G, p.Tyr149Cys (NM_001256306.2); c.422-1069A>G (NM_001256305.2); c.499-1069A>G (NM_001145816.3); short protein forms Y149C, Y217C, Y96C.
Identifiers: ClinVar variation 1525167 (VCV001525167.5), dbSNP rs140209262, ClinGen allele CA3142201.

ClinVar aggregate classification (germline): Uncertain significance (1 of 4 stars; one submission).

Allele frequency attached by ClinVar (database versions not stated): TOPMed below 0.00001; gnomAD 0.00001; gnomAD exomes 0.00001 and 0.00002; ExAC 0.00002; ESP Exome Variant Server 0.00008.

Submission:

Labcorp Genetics (formerly Invitae), Labcorp
Classification: Uncertain significance. Last evaluated: 2021-08-14. Review status: criteria provided, single submitter. Criteria: Invitae Variant Classification Sherloc (09022015). Collection method: clinical testing. Allele origin: germline.
Comment: This sequence change replaces tyrosine with cysteine at codon 217 of the HPGD protein (p.Tyr217Cys). The tyrosine residue is highly conserved and there is a large physicochemical difference between tyrosine and cysteine. This variant is present in population databases (rs140209262, ExAC 0.005%). This variant has not been reported in the literature in individuals affected with HPGD-related conditions. Algorithms developed to predict the effect of missense changes on protein structure and function (SIFT, PolyPhen-2, Align-GVGD) all suggest that this variant is likely to be disruptive. In summary, the available evidence is currently insufficient to determine the role of this variant in disease. Therefore, it has been classified as a Variant of Uncertain Significance.